The following is an entry in ClinVar:

NM_001429.4(EP300):c.362T>C (p.Met121Thr)

Gene: EP300 (EP300 lysine acetyltransferase; plus strand). Cytogenetic location: 22q13.2.
Variant type: single nucleotide variant.
Coding change: c.362T>C on transcript NM_001429.4 (MANE Select); coding-DNA position 362, T replaced by C.
Protein change: p.Met121Thr; replaces methionine 121 with threonine.
Molecular consequence: missense variant.
Genome position (GRCh38, 1-based): chr22:41,117,454, T>C. VCF-style: chr22-41117454-T-C. GRCh37 (hg19) VCF-style: chr22-41513458-T-C.
Other names: c.362T>C, p.Met121Thr (NM_001362843.2); short protein forms M121T.
Identifiers: ClinVar variation 2636583 (VCV002636583.4), dbSNP rs1243111732, ClinGen allele CA411680449.
Genomic context (GRCh38, chr22:41,117,454, plus strand): 5'-GTCAAGTCATGGCCAGCCAGGCCCAACAGAGCAGTCCTGGATTAGGTTTGATAAATAGCA[T>C]GGTCAAAAGCCCAATGACACAGGCAGGCTTGACTTCTCCCAACATGGGGATGGGCACTAG-3'
Protein context (NP_001420.2, residues 111-131): SSPGLGLINS[Met121Thr]VKSPMTQAGL

ClinVar aggregate classification (germline): Conflicting classifications of pathogenicity. Review status: criteria provided, conflicting classifications (1 of 4 stars). 3 submissions from 3 submitters: Uncertain significance (1); Benign (1). 1 of the submissions does not count toward it. Last evaluated 2025-09-02.

Conditions:
EP300-related disorder. Also called: EP300-related condition; EP300-related disorders.
Inborn genetic diseases. Identifiers: MedGen C0950123, MeSH D030342.
Rubinstein-Taybi syndrome due to EP300 haploinsufficiency. Also called: EP300-Related Rubinstein-Taybi Syndrome; RUBINSTEIN-TAYBI SYNDROME 2. Identifiers: Orphanet 353284, Orphanet 783, MedGen C3150941, MONDO:0013364, OMIM 613684.

Allele frequency attached by ClinVar (database versions not stated): gnomAD exomes below 0.00001; gnomAD 0.00001.

Submissions (3):

Labcorp Genetics (formerly Invitae), Labcorp
Classification: Benign for Rubinstein-Taybi syndrome due to EP300 haploinsufficiency. Last evaluated: 2025-09-02. Review status: criteria provided, single submitter. Criteria: Invitae Variant Classification Sherloc (09022015). Collection method: clinical testing. Allele origin: germline.

Ambry Genetics
Classification: Uncertain significance for Inborn genetic diseases. Last evaluated: 2024-11-10. Review status: criteria provided, single submitter. Criteria: Ambry Variant Classification Scheme 2023. Collection method: clinical testing. Allele origin: germline.

PreventionGenetics, part of Exact Sciences
Classification: Uncertain significance for EP300-related condition. Last evaluated: 2024-05-07. Review status: no assertion criteria provided. Collection method: clinical testing. Allele origin: germline. Not counted in ClinVar's aggregate classification.
Comment: The EP300 c.362T>C variant is predicted to result in the amino acid substitution p.Met121Thr. To our knowledge, this variant has not been reported in the literature. This variant is reported in 0.0029% of alleles in individuals of Latino descent in gnomAD. At this time, the clinical significance of this variant is uncertain due to the absence of conclusive functional and genetic evidence.